The following is an entry in ClinVar:

ClinVar aggregate classification (germline): Conflicting classifications of pathogenicity. Review status: criteria provided, conflicting classifications (1 of 4 stars). 3 submissions from 3 submitters: Likely pathogenic (1); Uncertain significance (2). Last evaluated 2025-08-05.

Submissions (3):

Dasa
Classification: Uncertain significance. Last evaluated: 2025-08-05. Review status: criteria provided, single submitter. Criteria: DASA Assertion Criteria. Collection method: clinical testing. Allele origin: germline.
Comment: NM_001356.5(DDX3X):c.822_824del (p.Thr275del) is an in-frame deletion predicted to remove threonine at protein position 275 without shifting the reading frame. This variant is absent from population databases. The currently available literature and clinical evidence are not sufficient to establish a definitive association between this variant and the reported condition. Therefore, this variant is classified as a variant of uncertain significance.

Blueprint Genetics
Classification: Uncertain significance. Last evaluated: 2024-10-25. Review status: criteria provided, single submitter. Criteria: ACMG Guidelines, 2015. Collection method: clinical testing. Allele origin: germline.

CeGaT Center for Human Genetics Tuebingen
Classification: Likely pathogenic. Last evaluated: 2018-07-01. Review status: criteria provided, single submitter. Criteria: CeGaT Center For Human Genetics Tuebingen Variant Classification Criteria Version 2. Collection method: clinical testing. Allele origin: germline. Affected: yes. Observed: 1 variant allele.

NM_001356.5(DDX3X):c.822_824del (p.Thr275del)

Gene: DDX3X (DEAD-box helicase 3 X-linked; plus strand). Cytogenetic location: Xp11.4.
Variant type: Deletion.
Coding change: c.822_824del on transcript NM_001356.5 (MANE Select); coding-DNA positions 822 to 824, 3 bases deleted (AAC; older notation c.822_824delAAC).
Protein change: p.Thr275del; deletes threonine 275.
Molecular consequence: inframe deletion. On other transcripts: non-coding transcript variant (1).
Genome position (GRCh38, 1-based): chrX:41,344,086-41,344,088, AAC deleted; deleting any 3 consecutive bases within chrX:41,344,085-41,344,088 gives the same sequence; the c. name uses the placement nearest the transcript's 3' end. VCF-style (leftmost placement, unchanged base first): chrX-41344084-CCAA-C. GRCh37 (hg19) VCF-style: chrX-41203337-CCAA-C.
Other names: c.822_824del, p.Thr275del (NM_001193416.3); c.774_776del, p.Thr259del (NM_001193417.3); c.264_266del, p.Thr89del (NM_001363819.1); short protein forms T259del, T89del, T275del.
Identifiers: ClinVar variation 624402 (VCV000624402.46), dbSNP rs1569238251, ClinGen allele CA913190404.
Genomic context (GRCh38, chrX:41,344,084, plus strand): 5'-TCTTAGGAAAATGGAAGGTATGGGCGCCGCAAACAATACCCAATCTCCTTGGTATTAGCA[CCAA>C]CGAGAGAGTTGGCAGTACAGATCTACGAGGAAGCCAGAAAAGTAAGTATGAGTTCCAGTG-3'